The following is an entry in ClinVar:

NM_003730.6(RNASET2):c.493-5A>G

Gene: RNASET2 (ribonuclease T2; minus strand). Cytogenetic location: 6q27.
Variant type: single nucleotide variant.
Coding change: c.493-5A>G on transcript NM_003730.6 (MANE Select); 5 bases into the intron before coding-DNA position 493, A replaced by G.
Molecular consequence: intron variant.
Genome position (GRCh38, 1-based): chr6:166,931,123, T>C on the plus strand (A>G on the coding strand, the complement: RNASET2 is on the minus strand). VCF-style: chr6-166931123-T-C. GRCh37 (hg19) VCF-style: chr6-167344611-T-C.
Identifiers: ClinVar variation 2123048 (VCV002123048.4), dbSNP rs1167563909, ClinGen allele CA822245759.

ClinVar aggregate classification (germline): Uncertain significance (1 of 4 stars; one submission).

Submission:

Labcorp Genetics (formerly Invitae), Labcorp
Classification: Uncertain significance. Last evaluated: 2023-06-29. Review status: criteria provided, single submitter. Criteria: Invitae Variant Classification Sherloc (09022015). Collection method: clinical testing. Allele origin: germline.
Comment: In summary, the available evidence is currently insufficient to determine the role of this variant in disease. Therefore, it has been classified as a Variant of Uncertain Significance. Algorithms developed to predict the effect of sequence changes on RNA splicing suggest that this variant may disrupt the consensus splice site. ClinVar contains an entry for this variant (Variation ID: 2123048). This variant has not been reported in the literature in individuals affected with RNASET2-related conditions. This variant is not present in population databases (gnomAD no frequency). This sequence change falls in intron 7 of the RNASET2 gene. It does not directly change the encoded amino acid sequence of the RNASET2 protein.